The following is an entry in ClinVar:

ClinVar aggregate classification (germline): Conflicting classifications of pathogenicity. Review status: criteria provided, conflicting classifications (1 of 4 stars). 2 submissions from 2 submitters: Uncertain significance (1); Likely benign (1). Last evaluated 2022-09-22.

Allele frequency attached by ClinVar (database versions not stated): TOPMed 0.00001; ExAC 0.00002; gnomAD 0.00002; gnomAD exomes 0.00002.
gnomAD v4.1: 35 of 1,612,570 alleles (0.0022%); highest among the groups gnomAD compares: Middle Eastern, 0.016%; no homozygotes.

Submissions (2):

Labcorp Genetics (formerly Invitae), Labcorp
Classification: Uncertain significance. Last evaluated: 2022-09-22. Review status: criteria provided, single submitter. Criteria: Invitae Variant Classification Sherloc (09022015). Collection method: clinical testing. Allele origin: germline.
Comment: In summary, the available evidence is currently insufficient to determine the role of this variant in disease. Therefore, it has been classified as a Variant of Uncertain Significance. This sequence change replaces alanine, which is neutral and non-polar, with threonine, which is neutral and polar, at codon 445 of the ANKH protein (p.Ala445Thr). The frequency data for this variant in the population databases is considered unreliable, as metrics indicate poor data quality at this position in the gnomAD database. This variant has not been reported in the literature in individuals affected with ANKH-related conditions. Advanced modeling of protein sequence and biophysical properties (such as structural, functional, and spatial information, amino acid conservation, physicochemical variation, residue mobility, and thermodynamic stability) performed at Invitae indicates that this missense variant is not expected to disrupt ANKH protein function.

Blueprint Genetics
Classification: Likely benign. Last evaluated: 2020-07-14. Review status: criteria provided, single submitter. Criteria: ACMG Guidelines, 2015. Collection method: clinical testing. Allele origin: germline.

NM_054027.6(ANKH):c.1333G>A (p.Ala445Thr)

Genes: ANKH (ANKH inorganic pyrophosphate transport regulator; minus strand), OTULIN (OTU deubiquitinase with linear linkage specificity; plus strand), LOC100130744 (uncharacterized LOC100130744; plus strand). Cytogenetic location: 5p15.2.
Variant type: single nucleotide variant.
Coding change: c.1333G>A on transcript NM_054027.6 (MANE Select); coding-DNA position 1333, G replaced by A.
Protein change: p.Ala445Thr; replaces alanine 445 with threonine.
Molecular consequence: missense variant. On other transcripts: non-coding transcript variant (1).
Genome position (GRCh38, 1-based): chr5:14,712,906, C>T on the plus strand (G>A on the coding strand, the complement: ANKH is on the minus strand). VCF-style: chr5-14712906-C-T. GRCh37 (hg19) VCF-style: chr5-14713015-C-T.
Other names: short protein forms A445T.
Identifiers: ClinVar variation 2416551 (VCV002416551.7), dbSNP rs757376093, ClinGen allele CA3208840.